The following is an entry in ClinVar:

ClinVar aggregate classification (germline): Likely pathogenic. Review status: criteria provided, multiple submitters, no conflicts (2 of 4 stars). 2 submissions from 2 submitters: Likely pathogenic (2). Last evaluated 2024-11-26.

Conditions:
Fetal akinesia deformation sequence 1 (FADS1). Also called: Pena-Shokeir syndrome type I; Fetal akinesia sequence. Identifiers: Orphanet 994, MedGen C1276035, MONDO:0100101, OMIM 208150, HP:0001989.
Congenital myasthenic syndrome 10. Also called: Myasthenia, limb-girdle, familial. Identifiers: Orphanet 590, MedGen C1850792, MONDO:0009690, OMIM 254300.

Submissions (2):

Mayo Clinic Laboratories, Mayo Clinic
Classification: Likely pathogenic. Last evaluated: 2024-11-26. Review status: criteria provided, single submitter. Criteria: ACMG Guidelines, 2015. Collection method: clinical testing. Allele origin: germline. Observed: 2 variant alleles.
Comment: PM2_supporting, PM3_supporting, PVS1_strong

Labcorp Genetics (formerly Invitae), Labcorp
Classification: Likely pathogenic for Congenital myasthenic syndrome 10; Fetal akinesia deformation sequence 1. Last evaluated: 2020-06-29. Review status: criteria provided, single submitter. Criteria: Invitae Variant Classification Sherloc (09022015). Collection method: clinical testing. Allele origin: germline.
Comment: Algorithms developed to predict the effect of sequence changes on RNA splicing suggest that this variant may disrupt the consensus splice site, but this prediction has not been confirmed by published transcriptional studies. This sequence change affects an acceptor splice site in intron 3 of the DOK7 gene. It is expected to disrupt RNA splicing and likely results in an absent or disrupted protein product. This variant is not present in population databases (ExAC no frequency). This variant has been reported in individuals in the Leiden Open-source Variation Database (PMID: 21520333). Donor and acceptor splice site variants typically lead to a loss of protein function (PMID: 16199547), and loss-of-function variants in DOK7 are known to be pathogenic (PMID: 16794080, 16917026, 18626973, 19261599). In summary, the currently available evidence indicates that the variant is pathogenic, but additional data are needed to prove that conclusively. Therefore, this variant has been classified as Likely Pathogenic.

Literature cited by the submitters: PubMed 21520333 (cited by Labcorp Genetics (formerly Invitae), Labcorp); PubMed 16199547 (cited by Labcorp Genetics (formerly Invitae), Labcorp); PubMed 16794080 (cited by Labcorp Genetics (formerly Invitae), Labcorp); PubMed 16917026 (cited by Labcorp Genetics (formerly Invitae), Labcorp); PubMed 18626973 (cited by Labcorp Genetics (formerly Invitae), Labcorp); PubMed 19261599 (cited by Labcorp Genetics (formerly Invitae), Labcorp).

NM_173660.5(DOK7):c.332-1G>T

Gene: DOK7 (docking protein 7; plus strand). Cytogenetic location: 4p16.3.
Variant type: single nucleotide variant.
Coding change: c.332-1G>T on transcript NM_173660.5 (MANE Select); the canonical splice acceptor site of the intron before coding-DNA position 332, G replaced by T.
Molecular consequence: splice acceptor variant. On other transcripts: intron variant (1).
Genome position (GRCh38, 1-based): chr4:3,476,341, G>T. VCF-style: chr4-3476341-G-T. GRCh37 (hg19) VCF-style: chr4-3478068-G-T.
Other names: p.?; c.332-1G>T (NM_001301071.2, NM_001164673.2); c.101-9198G>T (NM_001363811.2).
Identifiers: ClinVar variation 1065970 (VCV001065970.11), dbSNP rs1490214819, ClinGen allele CA356114065.
Genomic context (GRCh38, chr4:3,476,341, plus strand): 5'-CGCCCGTGATGTCCTCTCACCCTGCCCGCCCGTGATGCCCTCTTGCCCCGCCTGCCCGCA[G>T]TGCATAGGTTCCATGTGACAGTGGCTCCAGGCACCAAGTTGGAGAGCGGCCCGGCTACCC-3'